The following is an entry in ClinVar:

ClinVar aggregate classification (germline): Uncertain significance (1 of 4 stars; one submission).

Conditions:
Hereditary cancer-predisposing syndrome. Also called: Neoplastic Syndromes, Hereditary; Tumor predisposition; Hereditary Cancer Syndrome; Hereditary neoplastic syndrome. Identifiers: Orphanet 140162, MedGen C0027672, MeSH D009386, MONDO:0015356.

Submission:

Ambry Genetics
Classification: Uncertain significance for Hereditary cancer-predisposing syndrome. Last evaluated: 2015-07-17. Review status: criteria provided, single submitter. Criteria: Ambry Variant Classification Scheme 2023. Collection method: clinical testing. Allele origin: germline.
Comment: The p.Q584P variant (also known as c.1751A>C), located in coding exon 10 of the ATM gene, results from an A to C substitution at nucleotide position 1751. The glutamine at codon 584 is replaced by proline, an amino acid with similar properties. This variant was not reported in population based cohorts in the following databases: Database of Single Nucleotide Polymorphisms (dbSNP), NHLBI Exome Sequencing Project (ESP), and 1000 Genomes Project. In the ESP, this variant was not observed in 6499 samples (12998 alleles) with coverage at this position. To date, this alteration has been detected with an allele frequency of approximately 0.002% (greater than 66000 alleles tested) in our clinical cohort. This amino acid position is not well conserved in available vertebrate species. In addition, this alteration is predicted to be tolerated by in silico analysis. Since supporting evidence is limited at this time, the clinical significance of p.Q584P remains unclear.

NM_000051.4(ATM):c.1751A>C (p.Gln584Pro)

Gene: ATM (ATM serine/threonine kinase; plus strand). Cytogenetic location: 11q22.3.
Variant type: single nucleotide variant.
Coding change: c.1751A>C on transcript NM_000051.4 (MANE Select); coding-DNA position 1751, A replaced by C.
Protein change: p.Gln584Pro; replaces glutamine 584 with proline.
Molecular consequence: missense variant.
Genome position (GRCh38, 1-based): chr11:108,251,980, A>C. VCF-style: chr11-108251980-A-C. GRCh37 (hg19) VCF-style: chr11-108122707-A-C.
Other names: c.1751A>C, p.Gln584Pro (NM_001351834.2); short protein forms Q584P.
Identifiers: ClinVar variation 233039 (VCV000233039.5), dbSNP rs876660149, ClinGen allele CA10579024.